The following is an entry in ClinVar:

ClinVar aggregate classification (germline): Uncertain significance (1 of 4 stars; one submission).

Conditions:
Hereditary cancer-predisposing syndrome. Also called: Neoplastic Syndromes, Hereditary; Tumor predisposition; Hereditary Cancer Syndrome; Hereditary neoplastic syndrome. Identifiers: Orphanet 140162, MedGen C0027672, MeSH D009386, MONDO:0015356.

Allele frequency attached by ClinVar (database versions not stated): gnomAD exomes below 0.00001.
gnomAD v4.1: 1 of 1,612,308 alleles (0.000062%); highest among the groups gnomAD compares: Admixed American, 0.0017%; no homozygotes.

Submission:

Ambry Genetics
Classification: Uncertain significance for Hereditary cancer-predisposing syndrome. Last evaluated: 2021-11-01. Review status: criteria provided, single submitter. Criteria: Ambry Variant Classification Scheme 2023. Collection method: clinical testing. Allele origin: germline.
Comment: The p.P238A variant (also known as c.712C>G), located in coding exon 7 of the RB1 gene, results from a C to G substitution at nucleotide position 712. The proline at codon 238 is replaced by alanine, an amino acid with highly similar properties. This amino acid position is highly conserved in available vertebrate species. In addition, the in silico prediction for this alteration is inconclusive. Since supporting evidence is limited at this time, the clinical significance of this alteration remains unclear.

NM_000321.3(RB1):c.712C>G (p.Pro238Ala)

Gene: RB1 (RB transcriptional corepressor 1; plus strand). Cytogenetic location: 13q14.2.
Variant type: single nucleotide variant.
Coding change: c.712C>G on transcript NM_000321.3 (MANE Select); coding-DNA position 712, C replaced by G.
Protein change: p.Pro238Ala; replaces proline 238 with alanine.
Molecular consequence: missense variant.
Genome position (GRCh38, 1-based): chr13:48,360,121, C>G. VCF-style: chr13-48360121-C-G. GRCh37 (hg19) VCF-style: chr13-48934257-C-G.
Other names: c.712C>G, p.Pro238Ala (NM_001407165.1, NM_001407166.1); short protein forms P238A.
Identifiers: ClinVar variation 1757296 (VCV001757296.2), dbSNP rs1402069667, ClinGen allele CA388158635.
Genomic context (GRCh38, chr13:48,360,121, plus strand): 5'-TTAATGCTATGTGTCCTTGACTATTTTATTAAACTCTCACCTCCCATGTTGCTCAAAGAA[C>G]CATATAGTAAGTATTTAATTTATGCCCCTTTTACTTTCTCATTCAGCAGTTGCTTATTGA-3'
Protein context (NP_000312.2, residues 228-248): KLSPPMLLKE[Pro238Ala]YKTAVIPING